The following is an entry in ClinVar:

ClinVar aggregate classification (germline): Uncertain significance (1 of 4 stars; one submission).

Conditions:
Cardiovascular phenotype. Identifiers: MedGen CN230736.

Submission:

Ambry Genetics
Classification: Uncertain significance for Cardiovascular phenotype. Last evaluated: 2026-08-29. Review status: criteria provided, single submitter. Criteria: Ambry Variant Classification Scheme 2023. Collection method: clinical testing. Allele origin: germline.
Comment: The p.V110G variant (also known as c.329T>G), located in coding exon 3 of the LPL gene, results from a T to G substitution at nucleotide position 329. The valine at codon 110 is replaced by glycine, an amino acid with dissimilar properties. This amino acid position is conserved. In addition, this alteration is predicted to be deleterious by in silico analysis. Based on the available evidence, the clinical significance of this variant remains unclear.

NM_000237.3(LPL):c.329T>G (p.Val110Gly)

Gene: LPL (lipoprotein lipase; plus strand). Cytogenetic location: 8p21.3.
Variant type: single nucleotide variant.
Coding change: c.329T>G on transcript NM_000237.3 (MANE Select); coding-DNA position 329, T replaced by G.
Protein change: p.Val110Gly; replaces valine 110 with glycine.
Molecular consequence: missense variant.
Genome position (GRCh38, 1-based): chr8:19,951,848, T>G. VCF-style: chr8-19951848-T-G. GRCh37 (hg19) VCF-style: chr8-19809359-T-G.
Other names: short protein forms V110G.
Identifiers: ClinVar variation 5023646 (VCV005023646.1).